The following is an entry in ClinVar:

NM_030958.3(SLCO5A1):c.363C>G (p.Tyr121Ter)

Gene: SLCO5A1 (solute carrier organic anion transporter family member 5A1; minus strand). Cytogenetic location: 8q13.3.
Variant type: single nucleotide variant.
Coding change: c.363C>G on transcript NM_030958.3 (MANE Select); coding-DNA position 363, C replaced by G.
Protein change: p.Tyr121Ter; replaces tyrosine 121 with a stop codon.
Molecular consequence: nonsense.
Genome position (GRCh38, 1-based): chr8:69,832,311, G>C on the plus strand (C>G on the coding strand, the complement: SLCO5A1 is on the minus strand). VCF-style: chr8-69832311-G-C. GRCh37 (hg19) VCF-style: chr8-70744546-G-C.
Other names: c.363C>G, p.Tyr121Ter (NM_001146008.2, NM_001146009.1); short protein forms Y121*.
Identifiers: ClinVar variation 2756993 (VCV002756993.3), dbSNP rs1207118593, ClinGen allele CA371267820.

ClinVar aggregate classification (germline): Uncertain significance (1 of 4 stars; one submission).

Submission:

Labcorp Genetics (formerly Invitae), Labcorp
Classification: Uncertain significance. Last evaluated: 2023-09-01. Review status: criteria provided, single submitter. Criteria: Invitae Variant Classification Sherloc (09022015). Collection method: clinical testing. Allele origin: germline.
Comment: In summary, the available evidence is currently insufficient to determine the role of this variant in disease. Therefore, it has been classified as a Variant of Uncertain Significance. This variant has not been reported in the literature in individuals affected with SLCO5A1-related conditions. This variant is not present in population databases (gnomAD no frequency). This sequence change creates a premature translational stop signal (p.Tyr121*) in the SLCO5A1 gene. It is expected to result in an absent or disrupted protein product. However, the current clinical and genetic evidence is not sufficient to establish whether loss-of-function variants in SLCO5A1 cause disease.